The following is an entry in ClinVar:

ClinVar aggregate classification (germline): Conflicting classifications of pathogenicity. Review status: criteria provided, conflicting classifications (1 of 4 stars). 5 submissions from 5 submitters: Uncertain significance (2); Likely benign (2). 1 of the submissions does not count toward it. Last evaluated 2025-12-23.

Conditions:
Familial cancer of breast. Also called: Hereditary breast cancer; BREAST CANCER, FAMILIAL; hereditary breast carcinoma. Identifiers: Orphanet 227535, MedGen C0346153, MONDO:0016419, OMIM 114480. Disease mechanism: loss of function.
PPM1D-related disorder. Also called: PPM1D-related condition.

Allele frequency attached by ClinVar (database versions not stated): TOPMed 0.00037; ExAC 0.00038; gnomAD 0.00040 and 0.00044; gnomAD exomes 0.00047 and 0.00071; ESP Exome Variant Server 0.00062.
gnomAD v4.1: 1,094 of 1,614,040 alleles (0.068%); highest among the groups gnomAD compares: Middle Eastern, 0.18%; 1 homozygote.

Submissions (5):

Labcorp Genetics (formerly Invitae), Labcorp
Classification: Likely benign. Last evaluated: 2025-12-23. Review status: criteria provided, single submitter. Criteria: Invitae Variant Classification Sherloc (09022015). Collection method: clinical testing. Allele origin: germline.

Blueprint Genetics
Classification: Likely benign. Last evaluated: 2024-11-13. Review status: criteria provided, single submitter. Criteria: ACMG Guidelines, 2015. Collection method: clinical testing. Allele origin: germline.

Centre for Mendelian Genomics, University Medical Centre Ljubljana
Classification: Uncertain significance for Familial cancer of breast. Last evaluated: 2019-11-12. Review status: criteria provided, single submitter. Criteria: ACMG Guidelines, 2015. Collection method: clinical testing. Allele origin: unknown. Affected: yes.
Comment: This variant was classified as: Uncertain significance. The available evidence favors the benign nature of this variant, however the evidence is insufficent to prove its benign nature. The following ACMG criteria were applied in classifying this variant: BP1.

Breakthrough Genomics
Classification: Uncertain significance. Review status: criteria provided, single submitter. Criteria: ACMG Guidelines, 2015. Collection method: not provided. Allele origin: germline. Inheritance: Autosomal recessive inheritance. Affected: yes.

PreventionGenetics, part of Exact Sciences
Classification: Likely benign for PPM1D-related condition. Last evaluated: 2023-02-08. Review status: no assertion criteria provided. Collection method: clinical testing. Allele origin: germline. Not counted in ClinVar's aggregate classification.
Comment: This variant is classified as likely benign based on ACMG/AMP sequence variant interpretation guidelines (Richards et al. 2015 PMID: 25741868, with internal and published modifications).

NM_003620.4(PPM1D):c.1405A>G (p.Lys469Glu)

Gene: PPM1D (protein phosphatase, Mg2+/Mn2+ dependent 1D; plus strand). Cytogenetic location: 17q23.2.
Variant type: single nucleotide variant.
Coding change: c.1405A>G on transcript NM_003620.4 (MANE Select); coding-DNA position 1405, A replaced by G.
Protein change: p.Lys469Glu; replaces lysine 469 with glutamic acid.
Molecular consequence: missense variant.
Genome position (GRCh38, 1-based): chr17:60,663,139, A>G. VCF-style: chr17-60663139-A-G. GRCh37 (hg19) VCF-style: chr17-58740500-A-G.
Other names: short protein forms K469E.
Identifiers: ClinVar variation 930671 (VCV000930671.12), dbSNP rs61756416, ClinGen allele CA8687778.